The following is an entry in ClinVar:

ClinVar aggregate classification (germline): Uncertain significance (1 of 4 stars; one submission).

Conditions:
Combined immunodeficiency due to DOCK8 deficiency (HIES2). Also called: HIES autosomal recessive; HYPER-IgE SYNDROME 2, AUTOSOMAL RECESSIVE, WITH RECURRENT INFECTIONS; HYPER-IgE RECURRENT INFECTION SYNDROME 2, AUTOSOMAL RECESSIVE; DOCK8 Deficiency; Hyper-IgE recurrent infection syndrome, autosomal recessive. Identifiers: Orphanet 217390, MedGen C4722305, MONDO:0009478, OMIM 243700.

Allele frequency attached by ClinVar (database versions not stated): gnomAD 0.00001; TOPMed 0.00002; ESP Exome Variant Server 0.00008.
gnomAD v4.1: 2 of 1,614,060 alleles (0.00012%); highest among the groups gnomAD compares: African/African-American, 0.0027%; no homozygotes.

Submission:

Labcorp Genetics (formerly Invitae), Labcorp
Classification: Uncertain significance for Combined immunodeficiency due to DOCK8 deficiency. Last evaluated: 2023-01-06. Review status: criteria provided, single submitter. Criteria: Invitae Variant Classification Sherloc (09022015). Collection method: clinical testing. Allele origin: germline.
Comment: This variant is present in population databases (rs368637845, gnomAD 0.008%). In summary, the available evidence is currently insufficient to determine the role of this variant in disease. Therefore, it has been classified as a Variant of Uncertain Significance. Advanced modeling of protein sequence and biophysical properties (such as structural, functional, and spatial information, amino acid conservation, physicochemical variation, residue mobility, and thermodynamic stability) performed at Invitae indicates that this missense variant is expected to disrupt DOCK8 protein function. This variant has not been reported in the literature in individuals affected with DOCK8-related conditions. This sequence change replaces glutamic acid, which is acidic and polar, with glutamine, which is neutral and polar, at codon 381 of the DOCK8 protein (p.Glu381Gln).

NM_203447.4(DOCK8):c.1141G>C (p.Glu381Gln)

Gene: DOCK8 (dedicator of cytokinesis 8; plus strand). Cytogenetic location: 9p24.3.
Variant type: single nucleotide variant.
Coding change: c.1141G>C on transcript NM_203447.4 (MANE Select); coding-DNA position 1141, G replaced by C.
Protein change: p.Glu381Gln; replaces glutamic acid 381 with glutamine.
Molecular consequence: missense variant.
Genome position (GRCh38, 1-based): chr9:334,240, G>C. VCF-style: chr9-334240-G-C. GRCh37 (hg19) VCF-style: chr9-334240-G-C.
Other names: c.937G>C, p.Glu313Gln (NM_001190458.2, NM_001193536.2); short protein forms E313Q, E381Q.
Identifiers: ClinVar variation 2957599 (VCV002957599.3), dbSNP rs368637845, ClinGen allele CA4957634.
Genomic context (GRCh38, chr9:334,240, plus strand): 5'-GGTGCTGATGCTTGTTTCAGCTTGTTTCTTTCCATTTTCCTCCAGAGTAAAGAAAAGATT[G>C]AAAAACTAAAACTCCAAGCTGAATCCTTCTGCCAGCGTTTGGGGAAATACCGGATGCCCT-3'
Protein context (NP_982272.2, residues 371-391): SDGGKSKEKI[Glu381Gln]KLKLQAESFC